The following is an entry in ClinVar:

ClinVar aggregate classification (germline): Pathogenic (1 of 4 stars; one submission).

Submission:

Labcorp Genetics (formerly Invitae), Labcorp
Classification: Pathogenic. Last evaluated: 2022-06-20. Review status: criteria provided, single submitter. Criteria: Invitae Variant Classification Sherloc (09022015). Collection method: clinical testing. Allele origin: germline.
Comment: This sequence change creates a premature translational stop signal (p.Ala279Cysfs*113) in the ACE gene. It is expected to result in an absent or disrupted protein product. Loss-of-function variants in ACE are known to be pathogenic (PMID: 22095942). This variant is not present in population databases (gnomAD no frequency). This variant has not been reported in the literature in individuals affected with ACE-related conditions. For these reasons, this variant has been classified as Pathogenic.

Literature cited by the submitters: PubMed 22095942.

NM_000789.4(ACE):c.833dup (p.Ala279fs)

Gene: ACE (angiotensin I converting enzyme; plus strand). Cytogenetic location: 17q23.3.
Variant type: Duplication.
Coding change: c.833dup on transcript NM_000789.4 (MANE Select); coding-DNA position 833, one base duplicated (C; older notation c.833dupC).
Protein change: p.Ala279fs; shifts the reading frame from alanine 279.
Molecular consequence: frameshift variant. On other transcripts: 5 prime UTR variant (1).
Genome position (GRCh38, 1-based): chr17:63,480,514, C duplicated; the last of 3 consecutive C bases (chr17:63,480,512-63,480,514); duplicating any one gives the same sequence. VCF-style (leftmost placement, unchanged base first): chr17-63480511-T-TC. GRCh37 (hg19) VCF-style: chr17-61557872-T-TC.
Other names: c.360dup, p.Cys121fs (NM_001382700.1); c.-20dup (NM_001382701.1); short protein forms C121fs, A279fs.
Identifiers: ClinVar variation 1908262 (VCV001908262.5), dbSNP rs2510685781, ClinGen allele CA2576350006.
Genomic context (GRCh38, chr17:63,480,511, plus strand): 5'-TCGTCCGCCGCGCACTGCATCGCCGATACGGAGACAGATACATCAACCTCAGGGGACCCA[T>TC]CCCTGCTCATCTGCTGGGTAAGGACCTGGCCTCGCCTCCACATGAGTCCCACGGAAGTGT-3'